The following is an entry in ClinVar:

NM_017534.6(MYH2):c.3238C>T (p.Gln1080Ter)

Genes: MYH2 (myosin heavy chain 2; minus strand), MYHAS (myosin heavy chain gene cluster antisense RNA; plus strand). Cytogenetic location: 17p13.1.
Variant type: single nucleotide variant.
Coding change: c.3238C>T on transcript NM_017534.6 (MANE Select); coding-DNA position 3238, C replaced by T.
Protein change: p.Gln1080Ter; replaces glutamine 1080 with a stop codon.
Molecular consequence: nonsense.
Genome position (GRCh38, 1-based): chr17:10,529,361, G>A on the plus strand (C>T on the coding strand, the complement: MYH2 is on the minus strand). VCF-style: chr17-10529361-G-A. GRCh37 (hg19) VCF-style: chr17-10432678-G-A.
Other names: c.3238C>T, p.Gln1080Ter (NM_001100112.2); short protein forms Q1080*.
Identifiers: ClinVar variation 523864 (VCV000523864.2), dbSNP rs1007918379, ClinGen allele CA287738935.

ClinVar aggregate classification (germline): Pathogenic (1 of 4 stars; one submission).

Submission:

GeneDx
Classification: Pathogenic. Last evaluated: 2018-11-02. Review status: criteria provided, single submitter. Criteria: GeneDx Variant Classification (06012015). Collection method: clinical testing. Allele origin: germline. Affected: yes.
Comment: The Q1080X variant in the MYH2 gene has not been reported previously as a pathogenic variant nor as a benign variant, to our knowledge. This variant is predicted to cause loss of normal protein function either through protein truncation or nonsense-mediated mRNA decay. The Q1080X variant is not observed in large population cohorts (Lek et al., 2016). We interpret Q1080X as a pathogenic variant.